The following is an entry in ClinVar:

ClinVar aggregate classification (germline): Uncertain significance (1 of 4 stars; one submission).

Conditions:
Tuberous sclerosis 2 (TSC2). Identifiers: Orphanet 805, MedGen C1860707, MONDO:0013199, OMIM 613254.

Allele frequency attached by ClinVar (database versions not stated): gnomAD exomes below 0.00001.

Submission:

Labcorp Genetics (formerly Invitae), Labcorp
Classification: Uncertain significance for Tuberous sclerosis 2. Last evaluated: 2025-02-18. Review status: criteria provided, single submitter. Criteria: Invitae Variant Classification Sherloc (09022015). Collection method: clinical testing. Allele origin: germline.
Comment: This sequence change replaces glutamic acid, which is acidic and polar, with glycine, which is neutral and non-polar, at codon 193 of the TSC2 protein (p.Glu193Gly). This variant is not present in population databases (gnomAD no frequency). This variant has not been reported in the literature in individuals affected with TSC2-related conditions. ClinVar contains an entry for this variant (Variation ID: 1375875). Invitae Evidence Modeling of protein sequence and biophysical properties (such as structural, functional, and spatial information, amino acid conservation, physicochemical variation, residue mobility, and thermodynamic stability) indicates that this missense variant is not expected to disrupt TSC2 protein function with a negative predictive value of 95%. In summary, the available evidence is currently insufficient to determine the role of this variant in disease. Therefore, it has been classified as a Variant of Uncertain Significance.

NM_000548.5(TSC2):c.578A>G (p.Glu193Gly)

Gene: TSC2 (TSC complex subunit 2; plus strand). Cytogenetic location: 16p13.3.
Variant type: single nucleotide variant.
Coding change: c.578A>G on transcript NM_000548.5 (MANE Select); coding-DNA position 578, A replaced by G.
Protein change: p.Glu193Gly; replaces glutamic acid 193 with glycine.
Molecular consequence: missense variant. On other transcripts: intron variant (1).
Genome position (GRCh38, 1-based): chr16:2,055,498, A>G. VCF-style: chr16-2055498-A-G. GRCh37 (hg19) VCF-style: chr16-2105499-A-G.
Other names: c.578A>G, p.Glu193Gly (NM_001077183.3, NM_001114382.3, NM_001363528.2 and 3 more transcripts); c.467A>G, p.Glu156Gly (NM_001318827.2); c.431A>G, p.Glu144Gly (NM_001318829.2); c.611A>G, p.Glu204Gly (NM_001318832.2); c.-1-698A>G (NM_001318831.2); short protein forms E204G, E156G, E144G, E193G.
Identifiers: ClinVar variation 1375875 (VCV001375875.6), dbSNP rs2085672813, ClinGen allele CA394309759.